The following is an entry in ClinVar:

ClinVar aggregate classification (germline): Uncertain significance (1 of 4 stars; one submission).

Allele frequency attached by ClinVar (database versions not stated): gnomAD exomes below 0.00001 and 0.00001; TOPMed 0.00002; gnomAD 0.00003.
gnomAD v4.1: 7 of 1,551,640 alleles (0.00045%); highest among the groups gnomAD compares: East Asian, 0.017%; no homozygotes.

Submission:

Labcorp Genetics (formerly Invitae), Labcorp
Classification: Uncertain significance. Last evaluated: 2023-04-19. Review status: criteria provided, single submitter. Criteria: Invitae Variant Classification Sherloc (09022015). Collection method: clinical testing. Allele origin: germline.
Comment: ClinVar contains an entry for this variant (Variation ID: 1525029). An algorithm developed to predict the effect of missense changes on protein structure and function (PolyPhen-2) suggests that this variant is likely to be tolerated. In summary, the available evidence is currently insufficient to determine the role of this variant in disease. Therefore, it has been classified as a Variant of Uncertain Significance. This variant has not been reported in the literature in individuals affected with UNC80-related conditions. This sequence change replaces lysine, which is basic and polar, with arginine, which is basic and polar, at codon 939 of the UNC80 protein (p.Lys939Arg). This variant is present in population databases (no rsID available, gnomAD 0.01%).

NM_001371986.1(UNC80):c.2816A>G (p.Lys939Arg)

Gene: UNC80 (unc-80 subunit of NALCN channel complex; plus strand). Cytogenetic location: 2q34.
Variant type: single nucleotide variant.
Coding change: c.2816A>G on transcript NM_001371986.1 (MANE Select); coding-DNA position 2816, A replaced by G.
Protein change: p.Lys939Arg; replaces lysine 939 with arginine.
Molecular consequence: missense variant.
Genome position (GRCh38, 1-based): chr2:209,834,042, A>G. VCF-style: chr2-209834042-A-G. GRCh37 (hg19) VCF-style: chr2-210698766-A-G.
Other names: c.2816A>G, p.Lys939Arg (NM_032504.2); c.2801A>G, p.Lys934Arg (NM_182587.4); short protein forms K934R, K939R.
Identifiers: ClinVar variation 1525029 (VCV001525029.6), dbSNP rs1047456240, ClinGen allele CA64680536.